The following is an entry in ClinVar:

NM_004082.5(DCTN1):c.3623A>G (p.Lys1208Arg)

Gene: DCTN1 (dynactin subunit 1; minus strand). Cytogenetic location: 2p13.1.
Variant type: single nucleotide variant.
Coding change: c.3623A>G on transcript NM_004082.5 (MANE Select); coding-DNA position 3623, A replaced by G.
Protein change: p.Lys1208Arg; replaces lysine 1208 with arginine.
Molecular consequence: missense variant. On other transcripts: non-coding transcript variant (1).
Genome position (GRCh38, 1-based): chr2:74,362,128, T>C on the plus strand (A>G on the coding strand, the complement: DCTN1 is on the minus strand). VCF-style: chr2-74362128-T-C. GRCh37 (hg19) VCF-style: chr2-74589255-T-C.
Other names: c.3548A>G, p.Lys1183Arg (NM_001135040.3); c.3206A>G, p.Lys1069Arg (NM_001135041.3); c.3497A>G, p.Lys1166Arg (NM_001190836.2); c.3602A>G, p.Lys1201Arg (NM_001190837.2); c.3572A>G, p.Lys1191Arg (NM_001378991.1); c.3554A>G, p.Lys1185Arg (NM_001378992.1); c.3221A>G, p.Lys1074Arg (NM_023019.4); short protein forms K1166R, K1185R, K1069R, K1074R, K1191R, K1208R, K1183R, K1201R.
Identifiers: ClinVar variation 964669 (VCV000964669.11), dbSNP rs758026180, ClinGen allele CA1721409.

ClinVar aggregate classification (germline): Conflicting classifications of pathogenicity. Review status: criteria provided, conflicting classifications (1 of 4 stars). 3 submissions from 3 submitters: Uncertain significance (2); Likely benign (1). Last evaluated 2025-07-13.

Conditions:
Neuronopathy, distal hereditary motor, type 7B. Also called: NEURONOPATHY, DISTAL HEREDITARY MOTOR, AUTOSOMAL DOMINANT 14; NEURONOPATHY, DISTAL HEREDITARY MOTOR, HARDING TYPE VIIB; HMN VIIB; LOWER MOTOR NEURON DISEASE, DYNACTIN TYPE; Distal Hereditary Motor Neuronopathy Type 7B (dHMN7B); NEUROPATHY, DISTAL HEREDITARY MOTOR, HARDING TYPE VIIB. Identifiers: Orphanet 139589, MedGen C1843315, MONDO:0011879, OMIM 607641.
Amyotrophic lateral sclerosis type 1 (ALS1). Also called: AMYOTROPHIC LATERAL SCLEROSIS 1, FAMILIAL. Identifiers: Orphanet 803, MedGen C1862939, MONDO:0007103, OMIM 105400.
Perry syndrome. Also called: PARKINSONISM WITH ALVEOLAR HYPOVENTILATION AND MENTAL DEPRESSION. Identifiers: Orphanet 178509, MedGen C1868594, MONDO:0008201, OMIM 168605.
DCTN1-related disorder. Also called: DCTN1-related condition.
Inborn genetic diseases. Identifiers: MedGen C0950123, MeSH D030342.

Allele frequency attached by ClinVar (database versions not stated): ExAC 0.00002; gnomAD exomes 0.00002; gnomAD 0.00005 and 0.00006; TOPMed 0.00010.
gnomAD v4.1: 17 of 1,613,612 alleles (0.0011%); highest among the groups gnomAD compares: African/African-American, 0.017%; no homozygotes.

Submissions (3):

Ambry Genetics
Classification: Likely benign for Inborn genetic diseases. Last evaluated: 2025-07-13. Review status: criteria provided, single submitter. Criteria: Ambry Variant Classification Scheme 2023. Collection method: clinical testing. Allele origin: germline.

PreventionGenetics, part of Exact Sciences
Classification: Uncertain significance for DCTN1-related condition. Last evaluated: 2025-02-05. Review status: criteria provided, single submitter. Criteria: ACMG Guidelines, 2015. Collection method: clinical testing. Allele origin: germline.
Comment: The DCTN1 c.3623A>G variant is predicted to result in the amino acid substitution p.Lys1208Arg. To our knowledge, this variant has not been reported in the literature. This variant is reported in 0.028% of alleles in individuals of African descent in gnomAD. At this time, the clinical significance of this variant is uncertain due to the absence of conclusive functional and genetic evidence.

Labcorp Genetics (formerly Invitae), Labcorp
Classification: Uncertain significance for Amyotrophic lateral sclerosis type 1; Neuronopathy, distal hereditary motor, type 7B; Perry syndrome. Last evaluated: 2022-07-25. Review status: criteria provided, single submitter. Criteria: Invitae Variant Classification Sherloc (09022015). Collection method: clinical testing. Allele origin: germline.
Comment: In summary, the available evidence is currently insufficient to determine the role of this variant in disease. Therefore, it has been classified as a Variant of Uncertain Significance. Algorithms developed to predict the effect of missense changes on protein structure and function output the following: SIFT: "Deleterious"; PolyPhen-2: "Benign"; Align-GVGD: "Class C25". The arginine amino acid residue is found in multiple mammalian species, which suggests that this missense change does not adversely affect protein function. ClinVar contains an entry for this variant (Variation ID: 964669). This variant has not been reported in the literature in individuals affected with DCTN1-related conditions. This variant is present in population databases (rs758026180, gnomAD 0.03%). This sequence change replaces lysine, which is basic and polar, with arginine, which is basic and polar, at codon 1208 of the DCTN1 protein (p.Lys1208Arg).